The following is an entry in ClinVar:

ClinVar aggregate classification (germline): Uncertain significance (1 of 4 stars; one submission).

Submission:

Labcorp Genetics (formerly Invitae), Labcorp
Classification: Uncertain significance. Last evaluated: 2025-03-03. Review status: criteria provided, single submitter. Criteria: Invitae Variant Classification Sherloc (09022015). Collection method: clinical testing. Allele origin: germline.
Comment: This sequence change replaces leucine, which is neutral and non-polar, with phenylalanine, which is neutral and non-polar, at codon 3349 of the ADGRV1 protein (p.Leu3349Phe). This variant is not present in population databases (gnomAD no frequency). This variant has not been reported in the literature in individuals affected with ADGRV1-related conditions. ClinVar contains an entry for this variant (Variation ID: 2016225). Invitae Evidence Modeling of protein sequence and biophysical properties (such as structural, functional, and spatial information, amino acid conservation, physicochemical variation, residue mobility, and thermodynamic stability) indicates that this missense variant is not expected to disrupt ADGRV1 protein function with a negative predictive value of 95%. In summary, the available evidence is currently insufficient to determine the role of this variant in disease. Therefore, it has been classified as a Variant of Uncertain Significance.

NM_032119.4(ADGRV1):c.10047A>C (p.Leu3349Phe)

Gene: ADGRV1 (adhesion G protein-coupled receptor V1; plus strand). Cytogenetic location: 5q14.3.
Variant type: single nucleotide variant.
Coding change: c.10047A>C on transcript NM_032119.4 (MANE Select); coding-DNA position 10047, A replaced by C.
Protein change: p.Leu3349Phe; replaces leucine 3349 with phenylalanine.
Molecular consequence: missense variant. On other transcripts: non-coding transcript variant (1).
Genome position (GRCh38, 1-based): chr5:90,725,226, A>C. VCF-style: chr5-90725226-A-C. GRCh37 (hg19) VCF-style: chr5-90021043-A-C.
Other names: short protein forms L3349F.
Identifiers: ClinVar variation 2016225 (VCV002016225.4), dbSNP rs2531327796, ClinGen allele CA360403132.